The following is an entry in ClinVar:

NM_001370259.2(MEN1):c.484G>A (p.Val162Ile)

Gene: MEN1 (menin 1; minus strand). Cytogenetic location: 11q13.1.
Variant type: single nucleotide variant.
Coding change: c.484G>A on transcript NM_001370259.2 (MANE Select); coding-DNA position 484, G replaced by A.
Protein change: p.Val162Ile; replaces valine 162 with isoleucine.
Molecular consequence: missense variant.
Genome position (GRCh38, 1-based): chr11:64,808,061, C>T on the plus strand (G>A on the coding strand, the complement: MEN1 is on the minus strand). VCF-style: chr11-64808061-C-T. GRCh37 (hg19) VCF-style: chr11-64575533-C-T.
Other names: c.484G>A (NM_130799.2); c.499G>A, p.Val167Ile (NM_000244.4, NM_130800.3, NM_130801.3 and 3 more transcripts); c.484G>A, p.Val162Ile (NM_001370251.2, NM_001370260.2, NM_001370261.2 and 3 more transcripts); short protein forms V167I, V162I.
Identifiers: ClinVar variation 1409157 (VCV001409157.9), dbSNP rs2136157511, ClinGen allele CA381186155.
Genomic context (GRCh38, chr11:64,808,061, plus strand): 5'-CATGATCCTCAGACAGGGCGAGGTGGACATCCCGGAGACCCAGGGCCTGGCAGGCCCCAA[C>T]CACAGCAAAGGCCACACCGGAGCTGTCCAATTTGGTGCCTGTGGAAGGGGGAGGTAATGA-3'
Protein context (NP_001357188.2, residues 152-172): LDSSGVAFAV[Val162Ile]GACQALGLRD

ClinVar aggregate classification (germline): Uncertain significance. Review status: criteria provided, multiple submitters, no conflicts (2 of 4 stars). 2 submissions from 2 submitters: Uncertain significance (2). Last evaluated 2025-02-24.

Conditions:
Hereditary cancer-predisposing syndrome. Also called: Hereditary neoplastic syndrome; Neoplastic Syndromes, Hereditary; Hereditary Cancer Syndrome; Tumor predisposition. Identifiers: Orphanet 140162, MedGen C0027672, MeSH D009386, MONDO:0015356.
Multiple endocrine neoplasia, type 1 (MEN1). Also called: MEN I; WERMER SYNDROME; Endocrine adenomatosis multiple; MEN 1; MEA I. Identifiers: Orphanet 652, MedGen C0025267, MeSH D018761, MONDO:0007540, OMIM 131100.

Submissions (2):

Labcorp Genetics (formerly Invitae), Labcorp
Classification: Uncertain significance for Multiple endocrine neoplasia, type 1. Last evaluated: 2025-02-24. Review status: criteria provided, single submitter. Criteria: Invitae Variant Classification Sherloc (09022015). Collection method: clinical testing. Allele origin: germline.
Comment: This sequence change replaces valine, which is neutral and non-polar, with isoleucine, which is neutral and non-polar, at codon 162 of the MEN1 protein (p.Val162Ile). This variant is not present in population databases (gnomAD no frequency). This variant has not been reported in the literature in individuals affected with MEN1-related conditions. ClinVar contains an entry for this variant (Variation ID: 1409157). Invitae Evidence Modeling of protein sequence and biophysical properties (such as structural, functional, and spatial information, amino acid conservation, physicochemical variation, residue mobility, and thermodynamic stability) indicates that this missense variant is expected to disrupt MEN1 protein function with a positive predictive value of 95%. In summary, the available evidence is currently insufficient to determine the role of this variant in disease. Therefore, it has been classified as a Variant of Uncertain Significance.

Ambry Genetics
Classification: Uncertain significance for Hereditary cancer-predisposing syndrome. Last evaluated: 2023-12-21. Review status: criteria provided, single submitter. Criteria: Ambry Variant Classification Scheme 2023. Collection method: clinical testing. Allele origin: germline.
Comment: The p.V162I variant (also known as c.484G>A), located in coding exon 2 of the MEN1 gene, results from a G to A substitution at nucleotide position 484. The valine at codon 162 is replaced by isoleucine, an amino acid with highly similar properties. This amino acid position is conserved. In addition, the in silico prediction for this alteration is inconclusive. Since supporting evidence is limited at this time, the clinical significance of this alteration remains unclear.